The following is an entry in ClinVar:

ClinVar aggregate classification (germline): Uncertain significance (1 of 4 stars; one submission).

gnomAD v4.1: 1 of 1,357,828 alleles (0.000074%); highest among the groups gnomAD compares: East Asian, 0.0028%; no homozygotes.

Submission:

Women's Health and Genetics/Laboratory Corporation of America, LabCorp
Classification: Uncertain significance. Last evaluated: 2026-06-08. Review status: criteria provided, single submitter. Criteria: LabCorp Variant Classification Summary - May 2015. Collection method: clinical testing. Allele origin: germline.
Comment: Variant summary: KIF14 c.3465+6G>C alters a nucleotide located close to a canonical splice site and therefore could affect mRNA splicing, leading to a significantly altered protein sequence. Consensus agreement among computation tools predict no significant impact on normal splicing. However, these predictions have yet to be confirmed by functional studies. The variant was absent in 113382 control chromosomes. The available data on variant occurrences in the general population are insufficient to allow any conclusion about variant significance. To our knowledge, no occurrence of c.3465+6G>C in individuals affected with KIF14-related conditions and no experimental evidence demonstrating its impact on protein function have been reported. No submitters have cited clinical-significance assessments for this variant to ClinVar. Based on the evidence outlined above, the variant was classified as uncertain significance.

NM_014875.3(KIF14):c.3465+6G>C

Gene: KIF14 (kinesin family member 14; minus strand). Cytogenetic location: 1q32.1.
Variant type: single nucleotide variant.
Coding change: c.3465+6G>C on transcript NM_014875.3 (MANE Select); 6 bases into the intron after coding-DNA position 3465, G replaced by C.
Molecular consequence: intron variant.
Genome position (GRCh38, 1-based): chr1:200,580,248, C>G on the plus strand (G>C on the coding strand, the complement: KIF14 is on the minus strand). VCF-style: chr1-200580248-C-G. GRCh37 (hg19) VCF-style: chr1-200549376-C-G.
Other names: c.1992+6G>C (NM_001305792.1).
Identifiers: ClinVar variation 4887440 (VCV004887440.1).